The following is an entry in ClinVar:

ClinVar aggregate classification (germline): Likely benign (1 of 4 stars; one submission).

Submission:

Women's Health and Genetics/Laboratory Corporation of America, LabCorp
Classification: Likely benign. Last evaluated: 2024-10-08. Review status: criteria provided, single submitter. Criteria: LabCorp Variant Classification Summary - May 2015. Collection method: clinical testing. Allele origin: germline.
Comment: Variant summary: The variant involves the duplication of exons 1-7 in the STUB1 gene. A presumed nomenclature of c.(?_-117)_(*313_?)dup has been designated for the purposes of this classification. This duplication includes the entire coding sequence of the gene. As exact breakpoints are unknown, it may extend beyond the annotated region of the gene, to include other flanking genes. It is assumed to be a tandem duplication in direct orientation (PMIDs: 25640679, 30054569). The variant was absent in 21694 control chromosomes in the gnomAD database v4, structural variants dataset. In DGV, a similar duplication (gssvG13835) was reported as DGV Gold Standard Variant with about 16% of the overall frequency of the variants in 2 studies. The available data on variant occurrences in the general population suggests the duplication might be a benign change. To our knowledge, no occurrence of c.(?_-117)_(*313_?)dup in individuals affected with Autosomal Recessive Spinocerebellar Ataxia 16 and no experimental evidence demonstrating its impact on protein function have been reported. ClinVar contains an entry for this variant (Variation ID: 2637596). Based on the evidence outlined above, the variant was classified as likely benign.

NC_000016.9:g.(?_730409)_(732802_?)dup

Genes: JMJD8 (jumonji domain containing 8; minus strand), STUB1 (STIP1 homology and U-box containing protein 1; plus strand). Cytogenetic location: 16p13.3.
Variant type: Duplication.
Identifiers: ClinVar variation 2637596 (VCV002637596.2).